The following is an entry in ClinVar:

NM_001024630.4(RUNX2):c.765del (p.Ser256fs)

Gene: RUNX2 (RUNX family transcription factor 2; plus strand). Cytogenetic location: 6p21.1.
Variant type: Deletion.
Coding change: c.765del on transcript NM_001024630.4 (MANE Select); coding-DNA position 765, one base deleted (C; older notation c.765delC).
Protein change: p.Ser256fs; shifts the reading frame from serine 256.
Molecular consequence: frameshift variant.
Genome position (GRCh38, 1-based): chr6:45,492,020, C deleted; the last of 3 consecutive C bases (chr6:45,492,018-45,492,020); deleting any one gives the same sequence. VCF-style (leftmost placement, unchanged base first): chr6-45492017-TC-T. GRCh37 (hg19) VCF-style: chr6-45459754-TC-T.
Other names: c.765del, p.Ser256fs (NM_001015051.4); c.723del, p.Ser242fs (NM_001278478.2, NM_001369405.1); c.723delC, p.Ser242Valfs (NM_004348.3); short protein forms S242fs, S256fs.
Identifiers: ClinVar variation 2129270 (VCV002129270.4), dbSNP rs2548635761, ClinGen allele CA2580074681.

ClinVar aggregate classification (germline): Pathogenic (1 of 4 stars; one submission).

Submission:

Labcorp Genetics (formerly Invitae), Labcorp
Classification: Pathogenic. Last evaluated: 2022-04-22. Review status: criteria provided, single submitter. Criteria: Invitae Variant Classification Sherloc (09022015). Collection method: clinical testing. Allele origin: germline.
Comment: For these reasons, this variant has been classified as Pathogenic. This variant has not been reported in the literature in individuals affected with RUNX2-related conditions. This variant is not present in population databases (gnomAD no frequency). This sequence change creates a premature translational stop signal (p.Ser256Valfs*2) in the RUNX2 gene. It is expected to result in an absent or disrupted protein product. Loss-of-function variants in RUNX2 are known to be pathogenic (PMID: 10521292, 11857736).

Literature cited by the submitters: PubMed 10521292; PubMed 11857736.